The following is an entry in ClinVar:

ClinVar aggregate classification (germline): Uncertain significance (1 of 4 stars; one submission).

Conditions:
Spinocerebellar ataxia type 5 (SCA5). Identifiers: Orphanet 98766, MedGen C0752123, MONDO:0010848, OMIM 600224.

Submission:

Foundation for Research in Genetics and Endocrinology, FRIGE's Institute of Human Genetics
Classification: Uncertain significance for Spinocerebellar ataxia type 5. Last evaluated: 2025-04-10. Review status: criteria provided, single submitter. Criteria: ACMG Guidelines, 2015. Collection method: clinical testing. Allele origin: germline. Inheritance: Autosomal dominant inheritance. Affected: yes. Observed: 1 heterozygote.
Comment: A heterozygous missense variant in exon 33 of the SPTBN2 gene that results in an amino acid substitution of Lysine for Threonine at codon 2144 was detected. The observed variant c.6431C>A (p.Thr2144Lys) has not been reported in the 1000 genomes and gnomAD databases. The in-silico prediction of the variant are possibly damaging by MutationTaster. In summary, the variant meets our criteria to be classified as a variant of uncertain significance.

NM_006946.4(SPTBN2):c.6431C>A (p.Thr2144Lys)

Gene: SPTBN2 (spectrin beta, non-erythrocytic 2; minus strand). Cytogenetic location: 11q13.2.
Variant type: single nucleotide variant.
Coding change: c.6431C>A on transcript NM_006946.4 (MANE Select); coding-DNA position 6431, C replaced by A.
Protein change: p.Thr2144Lys; replaces threonine 2144 with lysine.
Molecular consequence: missense variant.
Genome position (GRCh38, 1-based): chr11:66,688,023, G>T on the plus strand (C>A on the coding strand, the complement: SPTBN2 is on the minus strand). VCF-style: chr11-66688023-G-T. GRCh37 (hg19) VCF-style: chr11-66455494-G-T.
Other names: p.Thr2144Lys; c.6452C>A, p.Thr2151Lys (NM_001411025.1); short protein forms T2144K, T2151K.
Identifiers: ClinVar variation 3781338 (VCV003781338.1).
Genomic context (GRCh38, chr11:66,688,023, plus strand): 5'-GCTACGACTCCGATGGGGGCACAGAGGGACAGTGGGGTCACCTGTGAGGGCTCTCCATCT[G>T]TGCAGACTCCATTAACACTGGGTGCTTGTGTGGATGGTGGTGGCCGTGGCTGGGTTCTGG-3'
Protein context (NP_008877.2, residues 2134-2154): TQAPSVNGVC[Thr2144Lys]DGEPSQPLLG